The following is an entry in ClinVar:

NM_000388.4(CASR):c.2230T>C (p.Tyr744His)

Gene: CASR (calcium sensing receptor; plus strand). Cytogenetic location: 3q21.1.
Variant type: single nucleotide variant.
Coding change: c.2230T>C on transcript NM_000388.4 (MANE Select); coding-DNA position 2230, T replaced by C.
Protein change: p.Tyr744His; replaces tyrosine 744 with histidine.
Molecular consequence: missense variant.
Genome position (GRCh38, 1-based): chr3:122,284,184, T>C. VCF-style: chr3-122284184-T-C. GRCh37 (hg19) VCF-style: chr3-122003031-T-C.
Other names: c.2260T>C, p.Tyr754His (NM_001178065.2); short protein forms Y744H, Y754H.
Identifiers: ClinVar variation 581835 (VCV000581835.12), dbSNP rs1328499732, ClinGen allele CA354159132.

ClinVar aggregate classification (germline): Uncertain significance. Review status: criteria provided, multiple submitters, no conflicts (2 of 4 stars). 2 submissions from 2 submitters: Uncertain significance (2). Last evaluated 2022-04-20.

Conditions:
Familial hypocalciuric hypercalcemia (FHH). Also called: Familial benign hypercalcemia. Identifiers: Orphanet 405, MedGen C1809471, MONDO:0018458.
Autosomal dominant hypocalcemia 1 (HYPOC1). Also called: HYPOCALCEMIA, FAMILIAL. Identifiers: MedGen C3715128, MONDO:0011013, OMIM 601198.
Nephrolithiasis/nephrocalcinosis. Identifiers: MedGen CN580796.

Allele frequency attached by ClinVar (database versions not stated): gnomAD exomes below 0.00001; TOPMed below 0.00001; gnomAD 0.00001.
gnomAD v4.1: 3 of 1,613,902 alleles (0.00019%); highest among the groups gnomAD compares: African/African-American, 0.0013%; no homozygotes.

Submissions (2):

Ambry Genetics
Classification: Uncertain significance for Nephrolithiasis/nephrocalcinosis. Last evaluated: 2022-04-20. Review status: criteria provided, single submitter. Criteria: Ambry Variant Classification Scheme 2023. Collection method: clinical testing. Allele origin: germline.
Comment: The p.Y744H variant (also known as c.2230T>C), located in coding exon 6 of the CASR gene, results from a T to C substitution at nucleotide position 2230. The tyrosine at codon 744 is replaced by histidine, an amino acid with similar properties. This amino acid position is conserved. In addition, the in silico prediction for this alteration is inconclusive. Since supporting evidence is limited at this time, the clinical significance of this alteration remains unclear.

Labcorp Genetics (formerly Invitae), Labcorp
Classification: Uncertain significance for Familial hypocalciuric hypercalcemia; Autosomal dominant hypocalcemia 1. Last evaluated: 2018-04-09. Review status: criteria provided, single submitter. Criteria: Invitae Variant Classification Sherloc (09022015). Collection method: clinical testing. Allele origin: germline.
Comment: In summary, the available evidence is currently insufficient to determine the role of this variant in disease. Therefore, it has been classified as a Variant of Uncertain Significance. Algorithms developed to predict the effect of missense changes on protein structure and function (SIFT, PolyPhen-2, Align-GVGD) all suggest that this variant is likely to be disruptive, but these predictions have not been confirmed by published functional studies and their clinical significance is uncertain. This variant has not been reported in the literature in individuals with CASR-related disease. This variant is not present in population databases (ExAC no frequency). This sequence change replaces tyrosine with histidine at codon 744 of the CASR protein (p.Tyr744His). The tyrosine residue is highly conserved and there is a moderate physicochemical difference between tyrosine and histidine.